The following is an entry in ClinVar:

ClinVar aggregate classification (germline): Uncertain significance (1 of 4 stars; one submission).

Conditions:
Kabuki syndrome. Also called: NIIKAWA-KUROKI SYNDROME; Kabuki make-up syndrome. Identifiers: Orphanet 2322, MedGen C0796004, MONDO:0016512.

Allele frequency attached by ClinVar (database versions not stated): gnomAD 0.00001.
gnomAD v4.1: 2 of 1,613,900 alleles (0.00012%); highest among the groups gnomAD compares: Non-Finnish European, 0.000085%; no homozygotes.

Submission:

Labcorp Genetics (formerly Invitae), Labcorp
Classification: Uncertain significance for Kabuki syndrome. Last evaluated: 2021-09-29. Review status: criteria provided, single submitter. Criteria: Invitae Variant Classification Sherloc (09022015). Collection method: clinical testing. Allele origin: germline.
Comment: This variant has not been reported in the literature in individuals affected with KMT2D-related conditions. In summary, the available evidence is currently insufficient to determine the role of this variant in disease. Therefore, it has been classified as a Variant of Uncertain Significance. Advanced modeling of protein sequence and biophysical properties (such as structural, functional, and spatial information, amino acid conservation, physicochemical variation, residue mobility, and thermodynamic stability) performed at Invitae indicates that this missense variant is not expected to disrupt KMT2D protein function. This variant is not present in population databases (ExAC no frequency). This sequence change replaces serine with phenylalanine at codon 2655 of the KMT2D protein (p.Ser2655Phe). The serine residue is moderately conserved and there is a large physicochemical difference between serine and phenylalanine.

NM_003482.4(KMT2D):c.7964C>T (p.Ser2655Phe)

Gene: KMT2D (lysine methyltransferase 2D; minus strand). Cytogenetic location: 12q13.12.
Variant type: single nucleotide variant.
Coding change: c.7964C>T on transcript NM_003482.4 (MANE Select); coding-DNA position 7964, C replaced by T.
Protein change: p.Ser2655Phe; replaces serine 2655 with phenylalanine.
Molecular consequence: missense variant.
Genome position (GRCh38, 1-based): chr12:49,039,806, G>A on the plus strand (C>T on the coding strand, the complement: KMT2D is on the minus strand). VCF-style: chr12-49039806-G-A. GRCh37 (hg19) VCF-style: chr12-49433589-G-A.
Other names: short protein forms S2655F.
Identifiers: ClinVar variation 1355881 (VCV001355881.6), dbSNP rs1226177022, ClinGen allele CA384746033.
Genomic context (GRCh38, chr12:49,039,806, plus strand): 5'-GTTTGGCTAAGGCCGGACATGCCTGGGTCCTGGGTACCTGGGAGTTCAGCTGTCGCCAAA[G>A]AGCTACCCATTCCAGTCCCTGGGTCTTCTCGCTTTTCGACAGGAGAGGTGATGCCTGATC-3'
Protein context (NP_003473.3, residues 2645-2665): REDPGTGMGS[Ser2655Phe]LATAELPGTQ